The following is an entry in ClinVar:

NM_001042492.3(NF1):c.3452_3457del (p.Asn1151_Leu1153delinsIle)

Gene: NF1 (neurofibromin 1; plus strand). Cytogenetic location: 17q11.2.
Variant type: Deletion.
Coding change: c.3452_3457del on transcript NM_001042492.3 (MANE Select); coding-DNA positions 3452 to 3457, 6 bases deleted (ACTTAC; older notation c.3452_3457delACTTAC).
Protein change: p.Asn1151_Leu1153delinsIle.
Molecular consequence: inframe indel.
Genome position (GRCh38, 1-based): chr17:31,232,837-31,232,842, ACTTAC deleted. VCF-style (leftmost placement, unchanged base first): chr17-31232836-AACTTAC-A. GRCh37 (hg19) VCF-style: chr17-29559854-AACTTAC-A.
Other names: c.3452_3457delACTTAC, p.Asn1151_Leu1153delinsIle (NM_000267.4).
Identifiers: ClinVar variation 1017591 (VCV001017591.5), dbSNP rs2067137679, ClinGen allele CA2255570106.

ClinVar aggregate classification (germline): Uncertain significance (1 of 4 stars; one submission).

Conditions:
Neurofibromatosis, type 1 (NF1). Also called: VON RECKLINGHAUSEN DISEASE; Neurofibromatosis, type I; NEUROFIBROMATOSIS, TYPE I, SOMATIC; Peripheral type neurofibromatosis. Identifiers: Orphanet 636, MedGen C0027831, MONDO:0018975, OMIM 162200. Disease mechanism: loss of function.

Submission:

Labcorp Genetics (formerly Invitae), Labcorp
Classification: Uncertain significance for Neurofibromatosis, type 1. Last evaluated: 2022-09-07. Review status: criteria provided, single submitter. Criteria: Invitae Variant Classification Sherloc (09022015). Collection method: clinical testing. Allele origin: germline.
Comment: In summary, the available evidence is currently insufficient to determine the role of this variant in disease. Therefore, it has been classified as a Variant of Uncertain Significance. Experimental studies and prediction algorithms are not available or were not evaluated, and the functional significance of this variant is currently unknown. ClinVar contains an entry for this variant (Variation ID: 1017591). This variant has not been reported in the literature in individuals affected with NF1-related conditions. This variant is not present in population databases (gnomAD no frequency). This variant, c.3452_3457del, is a complex sequence change that results in the deletion of 3 and insertion of 1 amino acid(s) in the NF1 protein (p.Asn1151_Leu1153delinsIle).